The following is an entry in ClinVar:

NM_001330078.2(NRXN1):c.479C>T (p.Pro160Leu)

Gene: NRXN1 (neurexin 1; minus strand). Cytogenetic location: 2p16.3.
Variant type: single nucleotide variant.
Coding change: c.479C>T on transcript NM_001330078.2 (MANE Select); coding-DNA position 479, C replaced by T.
Protein change: p.Pro160Leu; replaces proline 160 with leucine.
Molecular consequence: missense variant.
Genome position (GRCh38, 1-based): chr2:51,027,795, G>A on the plus strand (C>T on the coding strand, the complement: NRXN1 is on the minus strand). VCF-style: chr2-51027795-G-A. GRCh37 (hg19) VCF-style: chr2-51254933-G-A.
Other names: c.479C>T, p.Pro160Leu (NM_001135659.3, NM_001330077.2, NM_001330079.2 and 15 more transcripts); short protein forms P160L.
Identifiers: ClinVar variation 411165 (VCV000411165.15), dbSNP rs371517584, ClinGen allele CA1655475.

ClinVar aggregate classification (germline): Uncertain significance. Review status: criteria provided, multiple submitters, no conflicts (2 of 4 stars). 3 submissions from 3 submitters: Uncertain significance (3). Last evaluated 2026-01-26.

Conditions:
Inborn genetic diseases. Identifiers: MedGen C0950123, MeSH D030342.
Pitt-Hopkins-like syndrome 2 (PTHSL2). Identifiers: Orphanet 221150, Orphanet 600663, MedGen C3280479, MONDO:0013690, OMIM 614325.

Allele frequency attached by ClinVar (database versions not stated): ExAC 0.00002; gnomAD exomes 0.00003 and 0.00004; ESP Exome Variant Server 0.00008; gnomAD 0.00015 and 0.00016; TOPMed 0.00015.

Submissions (3):

Labcorp Genetics (formerly Invitae), Labcorp
Classification: Uncertain significance for Pitt-Hopkins-like syndrome 2. Last evaluated: 2026-01-26. Review status: criteria provided, single submitter. Criteria: Invitae Variant Classification Sherloc (09022015). Collection method: clinical testing. Allele origin: germline.
Comment: This sequence change replaces proline, which is neutral and non-polar, with leucine, which is neutral and non-polar, at codon 160 of the NRXN1 protein (p.Pro160Leu). This variant is present in population databases (rs371517584, gnomAD 0.04%). This variant has not been reported in the literature in individuals affected with NRXN1-related conditions. ClinVar contains an entry for this variant (Variation ID: 411165). An algorithm developed to predict the effect of missense changes on protein structure and function (PolyPhen-2) suggests that this variant is likely to be tolerated. In summary, the available evidence is currently insufficient to determine the role of this variant in disease. Therefore, it has been classified as a Variant of Uncertain Significance.

GeneDx
Classification: Uncertain significance. Last evaluated: 2023-08-03. Review status: criteria provided, single submitter. Criteria: GeneDx Variant Classification Process June 2021. Collection method: clinical testing. Allele origin: germline. Affected: yes.
Comment: In silico analysis supports that this missense variant has a deleterious effect on protein structure/function; Missense variant in a gene in which most reported pathogenic variants are truncating/loss of function; Has not been previously published as pathogenic or benign to our knowledge

Ambry Genetics
Classification: Uncertain significance for Inborn genetic diseases. Last evaluated: 2020-11-04. Review status: criteria provided, single submitter. Criteria: Ambry Variant Classification Scheme 2023. Collection method: clinical testing. Allele origin: germline.
Comment: The c.479C>T (p.P160L) alteration is located in exon 2 (coding exon 1) of the NRXN1 gene. This alteration results from a C to T substitution at nucleotide position 479, causing the proline (P) at amino acid position 160 to be replaced by a leucine (L). Based on data from the Genome Aggregation Database (gnomAD) database, the NRXN1 c.479C>T alteration was observed in 0.0043% (12/276370) of total alleles studied, with a frequency of 0.03% (12/35082) in the Latino subpopulation. This amino acid position is well conserved in available vertebrate species. The in silico prediction for the p.P160L alteration is inconclusive. Based on insufficient or conflicting evidence, the clinical significance of this alteration remains unclear.